The following is an entry in ClinVar:

ClinVar aggregate classification (germline): Likely benign (1 of 4 stars; one submission).

Conditions:
Disorders of Intracellular Cobalamin Metabolism. Identifiers: MedGen CN043592.

Allele frequency attached by ClinVar (database versions not stated): TOPMed 0.00143; gnomAD 0.00149 and 0.00158; 1000 Genomes Project 0.00180; 1000 Genomes Project 30x 0.00203.

Submission:

Illumina Laboratory Services, Illumina
Classification: Likely benign for Disorders of Intracellular Cobalamin Metabolism. Last evaluated: 2018-01-12. Review status: criteria provided, single submitter. Criteria: ICSL Variant Classification Criteria 13 December 2019. Collection method: clinical testing. Allele origin: germline.
Comment: This variant was observed in the ICSL laboratory as part of a predisposition screen in an ostensibly healthy population. It had not been previously curated by ICSL or reported in the Human Gene Mutation Database (HGMD: prior to June 1st, 2018), and was therefore a candidate for classification through an automated scoring system. Utilizing variant allele frequency, disease prevalence and penetrance estimates, and inheritance mode, an automated score was calculated to assess if this variant is too frequent to cause the disease. Based on the score and internal cut-off values, a variant classified as likely benign is not then subjected to further curation. The score for this variant resulted in a classification of likely benign for this disease.

NM_000254.3(MTR):c.*773T>G

Gene: MTR (5-methyltetrahydrofolate-homocysteine methyltransferase; plus strand). Cytogenetic location: 1q43.
Variant type: single nucleotide variant.
Coding change: c.*773T>G on transcript NM_000254.3 (MANE Select); 773 bases downstream of the stop codon, T replaced by G.
Molecular consequence: 3 prime UTR variant.
Genome position (GRCh38, 1-based): chr1:236,898,417, T>G. VCF-style: chr1-236898417-T-G. GRCh37 (hg19) VCF-style: chr1-237061717-T-G.
Other names: c.*773T>G (NM_001291939.1, NM_001291940.2).
Identifiers: ClinVar variation 875674 (VCV000875674.4), dbSNP rs74936029, ClinGen allele CA39767617.